The following is an entry in ClinVar:

ClinVar aggregate classification (germline): Uncertain significance (1 of 4 stars; one submission).

Conditions:
Cardiovascular phenotype. Identifiers: MedGen CN230736.

Submission:

Ambry Genetics
Classification: Uncertain significance for Cardiovascular phenotype. Last evaluated: 2025-05-18. Review status: criteria provided, single submitter. Criteria: Ambry Variant Classification Scheme 2023. Collection method: clinical testing. Allele origin: germline.
Comment: The p.S202C variant (also known as c.605C>G), located in coding exon 4 of the TBX20 gene, results from a C to G substitution at nucleotide position 605. The serine at codon 202 is replaced by cysteine, an amino acid with dissimilar properties. This amino acid position is conserved. In addition, this alteration is predicted to be deleterious by in silico analysis. Based on the available evidence, the clinical significance of this variant remains unclear.

NM_001077653.2(TBX20):c.605C>G (p.Ser202Cys)

Gene: TBX20 (T-box transcription factor 20; minus strand). Cytogenetic location: 7p14.2.
Variant type: single nucleotide variant.
Coding change: c.605C>G on transcript NM_001077653.2 (MANE Select); coding-DNA position 605, C replaced by G.
Protein change: p.Ser202Cys; replaces serine 202 with cysteine.
Molecular consequence: missense variant.
Genome position (GRCh38, 1-based): chr7:35,244,998, G>C on the plus strand (C>G on the coding strand, the complement: TBX20 is on the minus strand). VCF-style: chr7-35244998-G-C. GRCh37 (hg19) VCF-style: chr7-35284610-G-C.
Other names: c.605C>G, p.Ser202Cys (NM_001166220.1); short protein forms S202C.
Identifiers: ClinVar variation 3966265 (VCV003966265.1).